The following is an entry in ClinVar:

NM_002474.3(MYH11):c.5295G>A (p.Gln1765=)

Genes: MYH11 (myosin heavy chain 11; minus strand), NDE1 (nudE neurodevelopment protein 1; plus strand). Cytogenetic location: 16p13.11.
Variant type: single nucleotide variant.
Coding change: c.5295G>A on transcript NM_002474.3 (MANE Select); coding-DNA position 5295, G replaced by A.
Protein change: p.Gln1765=; no amino-acid change (glutamine 1765 retained).
Molecular consequence: synonymous variant. On other transcripts: intron variant (2).
Genome position (GRCh38, 1-based): chr16:15,718,315, C>T on the plus strand (G>A on the coding strand, the complement: MYH11 is on the minus strand). VCF-style: chr16-15718315-C-T. GRCh37 (hg19) VCF-style: chr16-15812172-C-T.
Other names: c.5316G>A, p.Gln1772= (NM_001040113.2, NM_001040114.2); c.5295G>A, p.Gln1765= (NM_022844.3); c.948-5876C>T (NM_001143979.2, NM_017668.3).
Identifiers: ClinVar variation 3070723 (VCV003070723.1), dbSNP rs2506094308, ClinGen allele CA493752133.

ClinVar aggregate classification (germline): Uncertain significance (1 of 4 stars; one submission).

Conditions:
Familial thoracic aortic aneurysm and aortic dissection (TAAD). Also called: Thoracic aortic aneurysms and dissections. Identifiers: Orphanet 91387, MedGen C4707243, MONDO:0019625.

Submission:

All of Us Research Program, National Institutes of Health
Classification: Uncertain significance for Familial thoracic aortic aneurysm and aortic dissection. Last evaluated: 2023-05-04. Review status: criteria provided, single submitter. Criteria: ACMG Guidelines, 2015. Collection method: clinical testing. Allele origin: germline. Inheritance: Autosomal dominant inheritance. Observed: 1 variant allele, 1 heterozygote.
Comment: This synonymous variant in the MYH11 gene is predicted to affect RNA splicing. To our knowledge, functional studies have not been reported for this variant. This variant has not been reported in individuals affected with MYH11-related disorders in the literature. This variant has been identified in 2/251034 chromosomes in the general population by the Genome Aggregation Database (gnomAD). The available evidence is insufficient to determine the role of this variant in disease conclusively. Therefore, this variant is classified as a Variant of Uncertain Significance.

This study involves interpretation of variants in research participants for the purpose of population health screening. Participant phenotype was not available at the time of variant classification. Additional details can be found in publication PMID: 35346344, PMCID: PMC8962531